The following is an entry in ClinVar:

ClinVar aggregate classification (germline): Conflicting classifications of pathogenicity. Review status: criteria provided, conflicting classifications (1 of 4 stars). 4 submissions from 4 submitters: Uncertain significance (1); Likely benign (3). Last evaluated 2025-06-10.

Conditions:
Cardiovascular phenotype. Identifiers: MedGen CN230736.
Autosomal recessive limb-girdle muscular dystrophy type 2J (LGMDR10). Also called: MUSCULAR DYSTROPHY, LIMB-GIRDLE, AUTOSOMAL RECESSIVE 10; Limb-girdle muscular dystrophy, type 2J. Identifiers: Orphanet 140922, MedGen C1837342, MONDO:0012127, OMIM 608807.
Dilated cardiomyopathy 1G (CMD1G). Identifiers: Orphanet 154, MedGen C1858763, MONDO:0011400, OMIM 604145.

gnomAD v4.1: 6 of 1,613,416 alleles (0.00037%); highest among the groups gnomAD compares: Admixed American, 0.01%; no homozygotes.

Submissions (4):

Ambry Genetics
Classification: Likely benign for Cardiovascular phenotype. Last evaluated: 2025-06-10. Review status: criteria provided, single submitter. Criteria: Ambry Variant Classification Scheme 2023. Collection method: clinical testing. Allele origin: germline.

Women's Health and Genetics/Laboratory Corporation of America, LabCorp
Classification: Likely benign. Last evaluated: 2024-10-20. Review status: criteria provided, single submitter. Criteria: LabCorp Variant Classification Summary - May 2015. Collection method: clinical testing. Allele origin: germline.

GeneDx
Classification: Likely benign. Last evaluated: 2017-12-29. Review status: criteria provided, single submitter. Criteria: GeneDx Variant Classification (06012015). Collection method: clinical testing. Allele origin: germline. Affected: yes.
Comment: This variant is considered likely benign or benign based on one or more of the following criteria: it is a conservative change, it occurs at a poorly conserved position in the protein, it is predicted to be benign by multiple in silico algorithms, and/or has population frequency not consistent with disease.

Labcorp Genetics (formerly Invitae), Labcorp
Classification: Uncertain significance for Dilated cardiomyopathy 1G; Autosomal recessive limb-girdle muscular dystrophy type 2J. Last evaluated: 2017-08-29. Review status: criteria provided, single submitter. Criteria: Invitae Variant Classification Sherloc (09022015). Collection method: clinical testing. Allele origin: germline.

NM_001267550.2(TTN):c.74895A>G (p.Gln24965=)

Genes: TTN-AS1 (TTN antisense RNA 1; plus strand), TTN (titin; minus strand). Cytogenetic location: 2q31.2.
Variant type: single nucleotide variant.
Coding change: c.74895A>G on transcript NM_001267550.2 (MANE Select); coding-DNA position 74895, A replaced by G.
Protein change: p.Gln24965=; no amino-acid change (glutamine 24965 retained).
Molecular consequence: synonymous variant.
Genome position (GRCh38, 1-based): chr2:178,571,237, T>C on the plus strand (A>G on the coding strand, the complement: TTN is on the minus strand). VCF-style: chr2-178571237-T-C. GRCh37 (hg19) VCF-style: chr2-179435964-T-C.
Other names: c.69972A>G, p.Gln23324= (NM_001256850.1); c.47700A>G, p.Gln15900= (NM_003319.4); c.67191A>G, p.Gln22397= (NM_133378.4); c.48075A>G, p.Gln16025= (NM_133432.3); c.48276A>G, p.Gln16092= (NM_133437.4).
Identifiers: ClinVar variation 514479 (VCV000514479.5), dbSNP rs201512527, ClinGen allele CA430255296.